The following is an entry in ClinVar:

ClinVar aggregate classification (germline): Uncertain significance (1 of 4 stars; one submission).

Submission:

Ambry Genetics
Classification: Uncertain significance. Last evaluated: 2025-12-15. Review status: criteria provided, single submitter. Criteria: Ambry Variant Classification Scheme 2023. Collection method: clinical testing. Allele origin: germline.
Comment: The c.2676A>G (p.I892M) alteration is located in exon 12 (coding exon 11) of the TRO gene. This alteration results from a A to G substitution at nucleotide position 2676, causing the isoleucine (I) at amino acid position 892 to be replaced by a methionine (M). Based on data from gnomAD, the G allele has an overall frequency of 0.001% (1/179882) total alleles studied. The highest observed frequency was 0.001% (1/79624) of European (non-Finnish) alleles. Based on insufficient or conflicting evidence, the clinical significance of this alteration remains unclear.

NM_001039705.3(TRO):c.2676A>G (p.Ile892Met)

Gene: TRO (trophinin; plus strand). Cytogenetic location: Xp11.21.
Variant type: single nucleotide variant.
Coding change: c.2676A>G on transcript NM_001039705.3 (MANE Select); coding-DNA position 2676, A replaced by G.
Protein change: p.Ile892Met; replaces isoleucine 892 with methionine.
Molecular consequence: missense variant. On other transcripts: intron variant (3).
Genome position (GRCh38, 1-based): chrX:54,929,400, A>G. VCF-style: chrX-54929400-A-G. GRCh37 (hg19) VCF-style: chrX-54955833-A-G.
Other names: c.1269A>G, p.Ile423Met (NM_001271183.2); c.1485A>G, p.Ile495Met (NM_001271184.2); c.1986+690A>G (NM_016157.4, NM_177556.3); c.795+690A>G (NM_177557.3); short protein forms I423M, I495M, I892M.
Identifiers: ClinVar variation 4827832 (VCV004827832.1).
Genomic context (GRCh38, chrX:54,929,400, plus strand): 5'-ACCCACAACGAGCACAGTCTTCAGTAGTGCGCTTAGCACCAGCACTGGCTTTGGAGGCAT[A>G]CTCAGCACCAGTGTCTGTTTTGGTGGCTCTCCCAGCTCCAGTGGTAGCTTTGGTGGTACA-3'
Protein context (NP_001034794.1, residues 882-902): ALSTSTGFGG[Ile892Met]LSTSVCFGGS